The following is an entry in ClinVar:

NM_000282.4(PCCA):c.1540+5G>C

Gene: PCCA (propionyl-CoA carboxylase subunit alpha; plus strand). Cytogenetic location: 13q32.3.
Variant type: single nucleotide variant.
Coding change: c.1540+5G>C on transcript NM_000282.4 (MANE Select); 5 bases into the intron after coding-DNA position 1540, G replaced by C.
Molecular consequence: intron variant.
Genome position (GRCh38, 1-based): chr13:100,330,676, G>C. VCF-style: chr13-100330676-G-C. GRCh37 (hg19) VCF-style: chr13-100982930-G-C.
Other names: c.1540+5G>C (NM_001178004.2, NM_001352605.2, NM_001352609.2); c.1396+5G>C (NM_001352606.2); c.595+5G>C (NM_001352610.2, NM_001352611.2); c.451+5G>C (NM_001352612.2); c.1462+5G>C (NM_001127692.3, NM_001352607.2); c.1318+5G>C (NM_001352608.2).
Identifiers: ClinVar variation 1445149 (VCV001445149.3), dbSNP rs371430625, ClinGen allele CA7033694.
Genomic context (GRCh38, chr13:100,330,676, plus strand): 5'-AAAAGGAGACATCAGCACTAAATTTCTCTCCGATGTGTATCCTGATGGCTTCAAAGGTTT[G>C]TATGCATTAAAATATTTTAGTGTTTTAAAGTTGTTATTTTTATACTTTATTGTAATACAT-3'

ClinVar aggregate classification (germline): Uncertain significance (1 of 4 stars; one submission).

Conditions:
Propionic acidemia (PROP). Also called: GLYCINEMIA, KETOTIC; HYPERGLYCINEMIA WITH KETOACIDOSIS AND LEUKOPENIA; KETOTIC HYPERGLYCINEMIA. Identifiers: Orphanet 35, MedGen C0268579, MONDO:0011628, OMIM 606054, HP:0003571.

Allele frequency attached by ClinVar (database versions not stated): ExAC 0.00001; gnomAD 0.00001; gnomAD exomes 0.00001; TOPMed 0.00001; ESP Exome Variant Server 0.00008.
gnomAD v4.1: 9 of 1,467,950 alleles (0.00061%); highest among the groups gnomAD compares: Non-Finnish European, 0.00086%; no homozygotes.

Submission:

Labcorp Genetics (formerly Invitae), Labcorp
Classification: Uncertain significance for Propionic acidemia. Last evaluated: 2022-08-09. Review status: criteria provided, single submitter. Criteria: Invitae Variant Classification Sherloc (09022015). Collection method: clinical testing. Allele origin: germline.
Comment: This sequence change falls in intron 17 of the PCCA gene. It does not directly change the encoded amino acid sequence of the PCCA protein. It affects a nucleotide within the consensus splice site. This variant is present in population databases (rs371430625, gnomAD 0.0009%). This variant has not been reported in the literature in individuals affected with PCCA-related conditions. ClinVar contains an entry for this variant (Variation ID: 1445149). Variants that disrupt the consensus splice site are a relatively common cause of aberrant splicing (PMID: 17576681, 9536098). Algorithms developed to predict the effect of sequence changes on RNA splicing suggest that this variant may disrupt the consensus splice site. In summary, the available evidence is currently insufficient to determine the role of this variant in disease. Therefore, it has been classified as a Variant of Uncertain Significance.

Literature cited by the submitters: PubMed 17576681; PubMed 9536098.